The following is an entry in ClinVar:

NM_001101426.4(CRPPA):c.118C>G (p.Pro40Ala)

Gene: CRPPA (CDP-L-ribitol pyrophosphorylase A; minus strand). Cytogenetic location: 7p21.2.
Variant type: single nucleotide variant.
Coding change: c.118C>G on transcript NM_001101426.4 (MANE Select); coding-DNA position 118, C replaced by G.
Protein change: p.Pro40Ala; replaces proline 40 with alanine.
Molecular consequence: missense variant. On other transcripts: non-coding transcript variant (1).
Genome position (GRCh38, 1-based): chr7:16,421,205, G>C on the plus strand (C>G on the coding strand, the complement: CRPPA is on the minus strand). VCF-style: chr7-16421205-G-C. GRCh37 (hg19) VCF-style: chr7-16460830-G-C.
Other names: c.118C>G, p.Pro40Ala (NM_001101417.4, NM_001368197.1); short protein forms P40A.
Identifiers: ClinVar variation 1902219 (VCV001902219.5), dbSNP rs2546759090, ClinGen allele CA367004267.

ClinVar aggregate classification (germline): Uncertain significance (1 of 4 stars; one submission).

Conditions:
Autosomal recessive limb-girdle muscular dystrophy type 2U. Also called: Muscular dystrophy-dystroglycanopathy (limb-girdle), type c, 7; MUSCULAR DYSTROPHY, LIMB-GIRDLE, TYPE 2U. Identifiers: Orphanet 352479, MedGen C5190987, MONDO:0014474, OMIM 616052.
Muscular dystrophy-dystroglycanopathy (congenital with brain and eye anomalies), type A, 7. Also called: WALKER-WARBURG SYNDROME OR MUSCLE-EYE-BRAIN DISEASE, ISPD-RELATED; Congenital muscular dystrophy-dystroglycanopathy with brain and eye anomalies, type A7. Identifiers: Orphanet 899, MedGen C3553330, MONDO:0013835, OMIM 614643.

Submission:

Labcorp Genetics (formerly Invitae), Labcorp
Classification: Uncertain significance for Muscular dystrophy-dystroglycanopathy (congenital with brain and eye anomalies), type A, 7; Autosomal recessive limb-girdle muscular dystrophy type 2U. Last evaluated: 2022-05-31. Review status: criteria provided, single submitter. Criteria: Invitae Variant Classification Sherloc (09022015). Collection method: clinical testing. Allele origin: germline.
Comment: Algorithms developed to predict the effect of missense changes on protein structure and function output the following: SIFT: "Tolerated"; PolyPhen-2: "Benign"; Align-GVGD: "Class C0". The alanine amino acid residue is found in multiple mammalian species, which suggests that this missense change does not adversely affect protein function. In summary, the available evidence is currently insufficient to determine the role of this variant in disease. Therefore, it has been classified as a Variant of Uncertain Significance. This variant has not been reported in the literature in individuals affected with ISPD-related conditions. This variant is not present in population databases (gnomAD no frequency). This sequence change replaces proline, which is neutral and non-polar, with alanine, which is neutral and non-polar, at codon 40 of the ISPD protein (p.Pro40Ala).